The following is an entry in ClinVar:

ClinVar aggregate classification (germline): Uncertain significance (1 of 4 stars; one submission).

gnomAD v4.1: 5 of 1,606,062 alleles (0.00031%); highest among the groups gnomAD compares: African/African-American, 0.0027%; no homozygotes.

Submission:

GeneDx
Classification: Uncertain significance. Last evaluated: 2023-05-17. Review status: criteria provided, single submitter. Criteria: GeneDx Variant Classification Process June 2021. Collection method: clinical testing. Allele origin: germline. Affected: yes.
Comment: Not observed at significant frequency in large population cohorts (gnomAD); In silico analysis supports that this missense variant has a deleterious effect on protein structure/function; Has not been previously published as pathogenic or benign to our knowledge

NM_012154.5(AGO2):c.1973G>A (p.Arg658His)

Gene: AGO2 (argonaute RISC catalytic component 2; minus strand). Cytogenetic location: 8q24.3.
Variant type: single nucleotide variant.
Coding change: c.1973G>A on transcript NM_012154.5 (MANE Select); coding-DNA position 1973, G replaced by A.
Protein change: p.Arg658His; replaces arginine 658 with histidine.
Molecular consequence: missense variant.
Genome position (GRCh38, 1-based): chr8:140,541,225, C>T on the plus strand (G>A on the coding strand, the complement: AGO2 is on the minus strand). VCF-style: chr8-140541225-C-T. GRCh37 (hg19) VCF-style: chr8-141551324-C-T.
Other names: c.1973G>A, p.Arg658His (NM_001164623.3); short protein forms R658H.
Identifiers: ClinVar variation 3343248 (VCV003343248.1).